The following is an entry in ClinVar:

NM_005529.7(HSPG2):c.5934G>A (p.Arg1978=)

Gene: HSPG2 (heparan sulfate proteoglycan 2; minus strand). Cytogenetic location: 1p36.12.
Variant type: single nucleotide variant.
Coding change: c.5934G>A on transcript NM_005529.7 (MANE Select); coding-DNA position 5934, G replaced by A.
Protein change: p.Arg1978=; no amino-acid change (arginine 1978 retained).
Molecular consequence: synonymous variant.
Genome position (GRCh38, 1-based): chr1:21,855,367, C>T on the plus strand (G>A on the coding strand, the complement: HSPG2 is on the minus strand). VCF-style: chr1-21855367-C-T. GRCh37 (hg19) VCF-style: chr1-22181860-C-T.
Other names: c.5937G>A, p.Arg1979= (NM_001291860.2); c.5934G>A (NM_005529.6).
Identifiers: ClinVar variation 197569 (VCV000197569.17), dbSNP rs557762861, ClinGen allele CA245819.

ClinVar aggregate classification (germline): Conflicting classifications of pathogenicity. Review status: criteria provided, conflicting classifications (1 of 4 stars). 4 submissions from 4 submitters: Uncertain significance (1); Likely benign (2). 1 of the submissions does not count toward it. Last evaluated 2024-10-28.

Conditions:
HSPG2-related disorder. Also called: HSPG2-related condition; HSPG2-related disorders.

Allele frequency attached by ClinVar (database versions not stated): TOPMed 0.00007; ExAC 0.00008; gnomAD exomes 0.00008 and 0.00002; 1000 Genomes Project 30x 0.00062; 1000 Genomes Project 0.00080; gnomAD 0.00004 and 0.00007.
gnomAD v4.1: 44 of 1,612,346 alleles (0.0027%); highest among the groups gnomAD compares: East Asian, 0.082%; no homozygotes.

Submissions (4):

Blueprint Genetics
Classification: Likely benign. Last evaluated: 2024-10-28. Review status: criteria provided, single submitter. Criteria: ACMG Guidelines, 2015. Collection method: clinical testing. Allele origin: germline.

Labcorp Genetics (formerly Invitae), Labcorp
Classification: Likely benign. Last evaluated: 2024-03-04. Review status: criteria provided, single submitter. Criteria: Invitae Variant Classification Sherloc (09022015). Collection method: clinical testing. Allele origin: germline.

Eurofins Ntd Llc (ga)
Classification: Uncertain significance. Last evaluated: 2014-10-21. Review status: criteria provided, single submitter. Criteria: EGL Classification Definitions 2015. Collection method: clinical testing. Allele origin: germline. Observed: 1 variant allele, 1 heterozygote.

PreventionGenetics, part of Exact Sciences
Classification: Likely benign for HSPG2-related condition. Last evaluated: 2019-04-16. Review status: no assertion criteria provided. Collection method: clinical testing. Allele origin: germline. Not counted in ClinVar's aggregate classification.
Comment: This variant is classified as likely benign based on ACMG/AMP sequence variant interpretation guidelines (Richards et al. 2015 PMID: 25741868, with internal and published modifications).